The following is an entry in ClinVar:

ClinVar aggregate classification (germline): Likely benign (0 of 4 stars; one submission).

Conditions:
KIF21A-related disorder. Also called: KIF21A-related condition.

Allele frequency attached by ClinVar (database versions not stated): TOPMed 0.00001.
gnomAD v4.1: 2 of 1,614,080 alleles (0.00012%); 1 homozygote.

Submission:

PreventionGenetics, part of Exact Sciences
Classification: Likely benign for KIF21A-related condition. Last evaluated: 2019-07-12. Review status: no assertion criteria provided. Collection method: clinical testing. Allele origin: germline.
Comment: This variant is classified as likely benign based on ACMG/AMP sequence variant interpretation guidelines (Richards et al. 2015 PMID: 25741868, with internal and published modifications).

NM_001173464.2(KIF21A):c.1074G>A (p.Thr358=)

Gene: KIF21A (kinesin family member 21A; minus strand). Cytogenetic location: 12q12.
Variant type: single nucleotide variant.
Coding change: c.1074G>A on transcript NM_001173464.2 (MANE Select); coding-DNA position 1074, G replaced by A.
Protein change: p.Thr358=; no amino-acid change (threonine 358 retained).
Molecular consequence: synonymous variant.
Genome position (GRCh38, 1-based): chr12:39,358,319, C>T on the plus strand (G>A on the coding strand, the complement: KIF21A is on the minus strand). VCF-style: chr12-39358319-C-T. GRCh37 (hg19) VCF-style: chr12-39752121-C-T.
Other names: c.1074G>A, p.Thr358= (NM_001173463.2, NM_001173465.2, NM_001378439.1 and 3 more transcripts).
Identifiers: ClinVar variation 3049547 (VCV003049547.2), dbSNP rs749287416, ClinGen allele CA479231422.